The following is an entry in ClinVar:

NM_001365308.1(BMPER):c.943T>C (p.Ser315Pro)

Gene: BMPER (BMP binding endothelial regulator; plus strand). Cytogenetic location: 7p14.3.
Variant type: single nucleotide variant.
Coding change: c.943T>C on transcript NM_001365308.1 (MANE Select); coding-DNA position 943, T replaced by C.
Protein change: p.Ser315Pro; replaces serine 315 with proline.
Molecular consequence: missense variant.
Genome position (GRCh38, 1-based): chr7:34,058,074, T>C. VCF-style: chr7-34058074-T-C. GRCh37 (hg19) VCF-style: chr7-34097686-T-C.
Other names: c.943T>C, p.Ser315Pro (NM_001410872.1, NM_133468.5); short protein forms S315P.
Identifiers: ClinVar variation 3698464 (VCV003698464.2).

ClinVar aggregate classification (germline): Uncertain significance (1 of 4 stars; one submission).

gnomAD v4.1: 18 of 1,613,938 alleles (0.0011%); highest among the groups gnomAD compares: Admixed American, 0.0017%; no homozygotes.

Submission:

Labcorp Genetics (formerly Invitae), Labcorp
Classification: Uncertain significance. Last evaluated: 2024-07-11. Review status: criteria provided, single submitter. Criteria: Invitae Variant Classification Sherloc (09022015). Collection method: clinical testing. Allele origin: germline.
Comment: This sequence change replaces serine, which is neutral and polar, with proline, which is neutral and non-polar, at codon 315 of the BMPER protein (p.Ser315Pro). This variant is present in population databases (no rsID available, gnomAD no frequency). This variant has not been reported in the literature in individuals affected with BMPER-related conditions. Advanced modeling of protein sequence and biophysical properties (such as structural, functional, and spatial information, amino acid conservation, physicochemical variation, residue mobility, and thermodynamic stability) performed at Invitae indicates that this missense variant is not expected to disrupt BMPER protein function with a negative predictive value of 80%. In summary, the available evidence is currently insufficient to determine the role of this variant in disease. Therefore, it has been classified as a Variant of Uncertain Significance.